The following is an entry in ClinVar:

NM_181882.3(PRX):c.2728G>C (p.Ala910Pro)

Gene: PRX (periaxin; minus strand). Cytogenetic location: 19q13.2.
Variant type: single nucleotide variant.
Coding change: c.2728G>C on transcript NM_181882.3 (MANE Select); coding-DNA position 2728, G replaced by C.
Protein change: p.Ala910Pro; replaces alanine 910 with proline.
Molecular consequence: missense variant. On other transcripts: 3 prime UTR variant (1).
Genome position (GRCh38, 1-based): chr19:40,395,624, C>G on the plus strand (G>C on the coding strand, the complement: PRX is on the minus strand). VCF-style: chr19-40395624-C-G. GRCh37 (hg19) VCF-style: chr19-40901531-C-G.
Other names: c.*2933G>C (NM_020956.2); short protein forms A910P.
Identifiers: ClinVar variation 965134 (VCV000965134.7), dbSNP rs145203783, ClinGen allele CA9443993.

ClinVar aggregate classification (germline): Uncertain significance (1 of 4 stars; one submission).

Conditions:
Charcot-Marie-Tooth disease type 4. Also called: Charcot-Marie-Tooth disease, type IV; Charcot-Marie-Tooth, Type 4. Identifiers: Orphanet 64749, MedGen C4082197, MONDO:0018995.

Allele frequency attached by ClinVar (database versions not stated): TOPMed 0.00001.
gnomAD v4.1: 7 of 1,614,194 alleles (0.00043%); highest among the groups gnomAD compares: Non-Finnish European, 0.00059%; no homozygotes.

Submission:

Labcorp Genetics (formerly Invitae), Labcorp
Classification: Uncertain significance for Charcot-Marie-Tooth disease type 4. Last evaluated: 2021-09-01. Review status: criteria provided, single submitter. Criteria: Invitae Variant Classification Sherloc (09022015). Collection method: clinical testing. Allele origin: germline.
Comment: This sequence change replaces alanine with proline at codon 910 of the PRX protein (p.Ala910Pro). The alanine residue is weakly conserved and there is a small physicochemical difference between alanine and proline. This variant is present in population databases (rs145203783, ExAC 0.001%). This variant has not been reported in the literature in individuals affected with PRX-related conditions. Algorithms developed to predict the effect of missense changes on protein structure and function (SIFT, PolyPhen-2, Align-GVGD) all suggest that this variant is likely to be tolerated. In summary, the available evidence is currently insufficient to determine the role of this variant in disease. Therefore, it has been classified as a Variant of Uncertain Significance.